The following is an entry in ClinVar:

ClinVar aggregate classification (germline): Uncertain significance (1 of 4 stars; one submission).

gnomAD v4.1: 1 of 1,512,456 alleles (0.000066%); highest among the groups gnomAD compares: Non-Finnish European, 0.000089%; no homozygotes.

Submission:

GeneDx
Classification: Uncertain significance. Last evaluated: 2022-08-15. Review status: criteria provided, single submitter. Criteria: GeneDx Variant Classification Process June 2021. Collection method: clinical testing. Allele origin: germline. Affected: yes.
Comment: Not observed at significant frequency in large population cohorts (gnomAD); In silico analysis supports that this missense variant does not alter protein structure/function; Has not been previously published as pathogenic or benign to our knowledge

NM_000744.7(CHRNA4):c.1352C>G (p.Pro451Arg)

Gene: CHRNA4 (cholinergic receptor nicotinic alpha 4 subunit; minus strand). Cytogenetic location: 20q13.33.
Variant type: single nucleotide variant.
Coding change: c.1352C>G on transcript NM_000744.7 (MANE Select); coding-DNA position 1352, C replaced by G.
Protein change: p.Pro451Arg; replaces proline 451 with arginine.
Molecular consequence: missense variant. On other transcripts: non-coding transcript variant (1).
Genome position (GRCh38, 1-based): chr20:63,350,059, G>C on the plus strand (C>G on the coding strand, the complement: CHRNA4 is on the minus strand). VCF-style: chr20-63350059-G-C. GRCh37 (hg19) VCF-style: chr20-61981411-G-C.
Other names: c.824C>G, p.Pro275Arg (NM_001256573.2); short protein forms P275R, P451R.
Identifiers: ClinVar variation 2430565 (VCV002430565.1), dbSNP rs55915440, ClinGen allele CA409633805.
Genomic context (GRCh38, chr20:63,350,059, plus strand): 5'-ATGTGCTGGACGCTGAGGGACCTGGCTTTGGCCAGCCCTGGTGCCTGGGTGCCGTGGGGC[G>C]GGCGGCAGGGTCCAGGCGAGGGGTGGGGGCTGGCTTTCTCAGCTTCCAGGGGCTGCTGAG-3'
Protein context (NP_000735.1, residues 441-461): SPHPSPGPCR[Pro451Arg]PHGTQAPGLA